The following is an entry in ClinVar:

NM_000059.4(BRCA2):c.7088A>C (p.Tyr2363Ser)

Gene: BRCA2 (BRCA2 DNA repair associated; plus strand). Cytogenetic location: 13q13.1.
Variant type: single nucleotide variant.
Coding change: c.7088A>C on transcript NM_000059.4 (MANE Select); coding-DNA position 7088, A replaced by C.
Protein change: p.Tyr2363Ser; replaces tyrosine 2363 with serine.
Molecular consequence: missense variant. On other transcripts: non-coding transcript variant (1).
Genome position (GRCh38, 1-based): chr13:32,354,941, A>C. VCF-style: chr13-32354941-A-C. GRCh37 (hg19) VCF-style: chr13-32929078-A-C.
Other names: c.6992A>C, p.Tyr2331Ser (NM_001406719.1); c.7088A>C, p.Tyr2363Ser (NM_001406720.1, NM_001432077.1); c.2156A>C, p.Tyr719Ser (NM_001406721.1); c.671A>C, p.Tyr224Ser (NM_001406722.1); short protein forms Y2331S, Y719S, Y224S, Y2363S.
Identifiers: ClinVar variation 3572363 (VCV003572363.1).

ClinVar aggregate classification (germline): Uncertain significance (1 of 4 stars; one submission).

Submission:

Quest Diagnostics Nichols Institute San Juan Capistrano
Classification: Uncertain significance. Last evaluated: 2024-11-10. Review status: criteria provided, single submitter. Criteria: Quest Diagnostics criteria. Collection method: clinical testing. Allele origin: unknown.
Comment: The BRCA2 c.7088A>C (p.Tyr2363Ser) variant has not been reported in individuals with BRCA2-related conditions in the published literature. It also has not been reported in large, multi-ethnic general populations (Genome Aggregation Database). Analysis of this variant using bioinformatics tools for the prediction of the effect of amino acid changes on protein structure and function yielded predictions that this variant is benign. Based on the available information, we are unable to determine the clinical significance of this variant.